The following is an entry in ClinVar:

NM_000388.4(CASR):c.1360A>G (p.Lys454Glu)

Gene: CASR (calcium sensing receptor; plus strand). Cytogenetic location: 3q21.1.
Variant type: single nucleotide variant.
Coding change: c.1360A>G on transcript NM_000388.4 (MANE Select); coding-DNA position 1360, A replaced by G.
Protein change: p.Lys454Glu; replaces lysine 454 with glutamic acid.
Molecular consequence: missense variant.
Genome position (GRCh38, 1-based): chr3:122,262,395, A>G. VCF-style: chr3-122262395-A-G. GRCh37 (hg19) VCF-style: chr3-121981242-A-G.
Other names: c.1360A>G, p.Lys454Glu (NM_001178065.2); short protein forms K454E.
Identifiers: ClinVar variation 1770826 (VCV001770826.2), dbSNP rs1029613003, ClinGen allele CA82739149.

ClinVar aggregate classification (germline): Uncertain significance (1 of 4 stars; one submission).

Conditions:
Nephrolithiasis/nephrocalcinosis. Identifiers: MedGen CN580796.

Allele frequency attached by ClinVar (database versions not stated): gnomAD exomes below 0.00001; TOPMed below 0.00001.
gnomAD v4.1: 2 of 1,613,240 alleles (0.00012%); highest among the groups gnomAD compares: Non-Finnish European, 0.00017%; no homozygotes.

Submission:

Ambry Genetics
Classification: Uncertain significance for Nephrolithiasis/nephrocalcinosis. Last evaluated: 2022-04-19. Review status: criteria provided, single submitter. Criteria: Ambry Variant Classification Scheme 2023. Collection method: clinical testing. Allele origin: germline.
Comment: The p.K454E variant (also known as c.1360A>G), located in coding exon 3 of the CASR gene, results from an A to G substitution at nucleotide position 1360. The lysine at codon 454 is replaced by glutamic acid, an amino acid with similar properties. This amino acid position is conserved. In addition, this alteration is predicted to be deleterious by in silico analysis. Since supporting evidence is limited at this time, the clinical significance of this alteration remains unclear.